The following is an entry in ClinVar:

ClinVar aggregate classification (germline): Uncertain significance (1 of 4 stars; one submission).

Submission:

Women's Health and Genetics/Laboratory Corporation of America, LabCorp
Classification: Uncertain significance. Last evaluated: 2024-02-29. Review status: criteria provided, single submitter. Criteria: LabCorp Variant Classification Summary - May 2015. Collection method: clinical testing. Allele origin: germline.
Comment: Variant summary: CTNNBL1 c.1281delG (p.Asn428IlefsX14) results in a premature termination codon, predicted to cause absence of the protein due to nonsense mediated decay, however the molecular mechanism of disease attributed to CTNNBL1 is currently unknown. The variant was absent in 250670 control chromosomes. The available data on variant occurrences in the general population are insufficient to allow any conclusion about variant significance. To our knowledge, no occurrence of c.1281delG in individuals affected with Immunodeficiency 99 With Hypogammaglobulinemia And Autoimmune Cytopenias and no experimental evidence demonstrating its impact on protein function have been reported. No submitters have cited clinical-significance assessments for this variant to ClinVar. Based on the evidence outlined above, the variant was classified as uncertain significance.

NM_030877.5(CTNNBL1):c.1281del (p.Asn428fs)

Gene: CTNNBL1 (catenin beta like 1; plus strand). Cytogenetic location: 20q11.23.
Variant type: Deletion.
Coding change: c.1281del on transcript NM_030877.5 (MANE Select); coding-DNA position 1281, one base deleted (G; older notation c.1281delG).
Protein change: p.Asn428fs; shifts the reading frame from asparagine 428.
Molecular consequence: frameshift variant.
Genome position (GRCh38, 1-based): chr20:37,840,169, G deleted. VCF-style (leftmost placement, unchanged base first): chr20-37840168-TG-T. GRCh37 (hg19) VCF-style: chr20-36468570-TG-T.
Other names: c.1200del, p.Asn401fs (NM_001281495.2); c.1281delG (NM_030877.5); short protein forms N401fs, N428fs.
Identifiers: ClinVar variation 3068776 (VCV003068776.2), dbSNP rs2515301329, ClinGen allele CA2825002833.